The following is an entry in ClinVar:

ClinVar aggregate classification (germline): Uncertain significance (1 of 4 stars; one submission).

Allele frequency attached by ClinVar (database versions not stated): gnomAD 0.00001; TOPMed below 0.00001.
gnomAD v4.1: 6 of 1,613,792 alleles (0.00037%); highest among the groups gnomAD compares: Non-Finnish European, 0.00042%; no homozygotes.

Submission:

Labcorp Genetics (formerly Invitae), Labcorp
Classification: Uncertain significance. Last evaluated: 2022-07-26. Review status: criteria provided, single submitter. Criteria: Invitae Variant Classification Sherloc (09022015). Collection method: clinical testing. Allele origin: germline.
Comment: This sequence change replaces leucine, which is neutral and non-polar, with phenylalanine, which is neutral and non-polar, at codon 5566 of the ADGRV1 protein (p.Leu5566Phe). This variant is not present in population databases (gnomAD no frequency). This variant has not been reported in the literature in individuals affected with ADGRV1-related conditions. ClinVar contains an entry for this variant (Variation ID: 1391279). Algorithms developed to predict the effect of missense changes on protein structure and function are either unavailable or do not agree on the potential impact of this missense change (SIFT: "Deleterious"; PolyPhen-2: "Possibly Damaging"; Align-GVGD: "Class C0"). In summary, the available evidence is currently insufficient to determine the role of this variant in disease. Therefore, it has been classified as a Variant of Uncertain Significance.

NM_032119.4(ADGRV1):c.16698G>T (p.Leu5566Phe)

Gene: ADGRV1 (adhesion G protein-coupled receptor V1; plus strand). Cytogenetic location: 5q14.3.
Variant type: single nucleotide variant.
Coding change: c.16698G>T on transcript NM_032119.4 (MANE Select); coding-DNA position 16698, G replaced by T.
Protein change: p.Leu5566Phe; replaces leucine 5566 with phenylalanine.
Molecular consequence: missense variant. On other transcripts: non-coding transcript variant (1).
Genome position (GRCh38, 1-based): chr5:90,840,664, G>T. VCF-style: chr5-90840664-G-T. GRCh37 (hg19) VCF-style: chr5-90136481-G-T.
Other names: short protein forms L5566F.
Identifiers: ClinVar variation 1391279 (VCV001391279.4), dbSNP rs1371686085, ClinGen allele CA360428322.